The following is an entry in ClinVar:

NM_014159.7(SETD2):c.2801_2803dup (p.Ser934_Asp935insGly)

Gene: SETD2 (SET domain containing 2, histone lysine methyltransferase; minus strand). Cytogenetic location: 3p21.31.
Variant type: Duplication.
Coding change: c.2801_2803dup on transcript NM_014159.7 (MANE Select); coding-DNA positions 2801 to 2803, 3 bases duplicated (GTG; older notation c.2801_2803dupGTG).
Protein change: p.Ser934_Asp935insGly.
Molecular consequence: inframe insertion. On other transcripts: non-coding transcript variant (1).
Genome position (GRCh38, 1-based): chr3:47,121,833-47,121,835, CAC duplicated on the plus strand (GTG on the coding strand, the reverse complement: SETD2 is on the minus strand). VCF-style (leftmost placement, unchanged base first): chr3-47121832-T-TCAC. GRCh37 (hg19) VCF-style: chr3-47163322-T-TCAC.
Other names: c.2669_2671dup, p.Ser890_Asp891insGly (NM_001349370.3).
Identifiers: ClinVar variation 5008726 (VCV005008726.1).
Genomic context (GRCh38, chr3:47,121,832, plus strand): 5'-GATAACCCATTATTACGCCTGTTCTCCCTGGAAGCAAATCCCTTTCCTGAATCAGGAAGG[T>TCAC]CACTACCTACTTCTACTATTGTTTCTTTCCCTGCATGCTTTAAAAACTCTGAACTTTTTT-3'

ClinVar aggregate classification (germline): Uncertain significance (1 of 4 stars; one submission).

Submission:

GeneDx
Classification: Uncertain significance. Last evaluated: 2026-03-11. Review status: criteria provided, single submitter. Criteria: GeneDx Variant Classification Process June 2021. Collection method: clinical testing. Allele origin: germline.
Comment: Not observed at significant frequency in large population cohorts (gnomAD); In-frame insertion of 1 amino acid(s) in a non-repeat region; Has not been previously published as pathogenic or benign to our knowledge